The following is an entry in ClinVar:

NM_014362.4(HIBCH):c.238G>C (p.Glu80Gln)

Gene: HIBCH (3-hydroxyisobutyryl-CoA hydrolase; minus strand). Cytogenetic location: 2q32.2.
Variant type: single nucleotide variant.
Coding change: c.238G>C on transcript NM_014362.4 (MANE Select); coding-DNA position 238, G replaced by C.
Protein change: p.Glu80Gln; replaces glutamic acid 80 with glutamine.
Molecular consequence: missense variant.
Genome position (GRCh38, 1-based): chr2:190,294,612, C>G on the plus strand (G>C on the coding strand, the complement: HIBCH is on the minus strand). VCF-style: chr2-190294612-C-G. GRCh37 (hg19) VCF-style: chr2-191159338-C-G.
Other names: c.238G>C, p.Glu80Gln (NM_198047.3); short protein forms E80Q.
Identifiers: ClinVar variation 641906 (VCV000641906.10), dbSNP rs200185893, ClinGen allele CA2027724.

ClinVar aggregate classification (germline): Uncertain significance. Review status: criteria provided, multiple submitters, no conflicts (2 of 4 stars). 3 submissions from 3 submitters: Uncertain significance (3). Last evaluated 2025-04-22.

Conditions:
Inborn genetic diseases. Identifiers: MedGen C0950123, MeSH D030342.
3-hydroxyisobutyryl-CoA hydrolase deficiency. Also called: Reduced circulating 3-hydroxyisobutyryl-CoA hydrolase activity; Deficiency of 3-hydroxyisobutyryl CoA hydrolase; HIBCH DEFICIENCY; METHACRYLIC ACID TOXICITY; METHACRYLIC ACIDURIA; VALINE METABOLIC DEFECT. Identifiers: Orphanet 88639, MedGen C0342738, MONDO:0009603, OMIM 250620, HP:6000215.

Allele frequency attached by ClinVar (database versions not stated): ESP Exome Variant Server 0.00008; gnomAD 0.00008 and 0.00009; gnomAD exomes 0.00009 and 0.00010; TOPMed 0.00012; ExAC 0.00013.
gnomAD v4.1: 145 of 1,612,046 alleles (0.009%); highest among the groups gnomAD compares: Middle Eastern, 0.038%; no homozygotes.

Submissions (3):

Labcorp Genetics (formerly Invitae), Labcorp
Classification: Uncertain significance for 3-hydroxyisobutyryl-CoA hydrolase deficiency. Last evaluated: 2025-04-22. Review status: criteria provided, single submitter. Criteria: Invitae Variant Classification Sherloc (09022015). Collection method: clinical testing. Allele origin: germline.
Comment: This sequence change replaces glutamic acid, which is acidic and polar, with glutamine, which is neutral and polar, at codon 80 of the HIBCH protein (p.Glu80Gln). This variant is present in population databases (rs200185893, gnomAD 0.04%). This variant has not been reported in the literature in individuals affected with HIBCH-related conditions. ClinVar contains an entry for this variant (Variation ID: 641906). Invitae Evidence Modeling of protein sequence and biophysical properties (such as structural, functional, and spatial information, amino acid conservation, physicochemical variation, residue mobility, and thermodynamic stability) indicates that this missense variant is not expected to disrupt HIBCH protein function with a negative predictive value of 80%. Algorithms developed to predict the effect of sequence changes on RNA splicing suggest that this variant may disrupt the consensus splice site. In summary, the available evidence is currently insufficient to determine the role of this variant in disease. Therefore, it has been classified as a Variant of Uncertain Significance.

Blueprint Genetics
Classification: Uncertain significance. Last evaluated: 2024-08-20. Review status: criteria provided, single submitter. Criteria: ACMG Guidelines, 2015. Collection method: clinical testing. Allele origin: germline.

Ambry Genetics
Classification: Uncertain significance for Inborn genetic diseases. Last evaluated: 2024-05-10. Review status: criteria provided, single submitter. Criteria: Ambry Variant Classification Scheme 2023. Collection method: clinical testing. Allele origin: germline.